The following is an entry in ClinVar:

ClinVar aggregate classification (germline): Uncertain significance (1 of 4 stars; one submission).

Conditions:
Polycystic kidney disease, adult type (PKD1). Also called: Polycystic Kidney, Autosomal Dominant; Polycystic Kidney Disease 1, Autosomal Dominant; Polycystic kidney disease 1; Polycystic kidney disease 1, severe; POLYCYSTIC KIDNEY DISEASE 1 WITH OR WITHOUT POLYCYSTIC LIVER DISEASE; POLYCYSTIC KIDNEY DISEASE, ADULT, TYPE I. Identifiers: MedGen C3149841, MONDO:0008263, OMIM 173900.

Submission:

Juno Genomics, Hangzhou Juno Genomics, Inc
Classification: Uncertain significance for Polycystic kidney disease, adult type. Review status: criteria provided, single submitter. Criteria: ACMG Guidelines, 2015. Collection method: clinical testing. Allele origin: germline. Affected: yes.
Comment: Absent from controls (or at extremely low frequency if recessive) in Genome Aggregation Database.;Protein length changes due to in-frame deletions/insertions in a non-repeat region or stop-loss variants.;Patient's phenotype or family history is highly specific for a disease with a single genetic etiology.

NM_001009944.3(PKD1):c.4118_4120del (p.Ser1373del)

Gene: PKD1 (polycystin 1, transient receptor potential channel interacting; minus strand). Cytogenetic location: 16p13.3.
Variant type: Deletion.
Coding change: c.4118_4120del on transcript NM_001009944.3 (MANE Select); coding-DNA positions 4118 to 4120, 3 bases deleted (GCA; older notation c.4118_4120delGCA).
Protein change: p.Ser1373del; deletes serine 1373.
Molecular consequence: inframe deletion.
Genome position (GRCh38, 1-based): chr16:2,111,047-2,111,049, TGC deleted on the plus strand (GCA on the coding strand, the reverse complement: PKD1 is on the minus strand); deleting any 3 consecutive bases within chr16:2,111,047-2,111,051 gives the same sequence; the c. name uses the placement nearest the transcript's 3' end. VCF-style (leftmost placement, unchanged base first): chr16-2111046-ATGC-A. GRCh37 (hg19) VCF-style: chr16-2161047-ATGC-A.
Other names: c.4118_4120del, p.Ser1373del (NM_000296.4); short protein forms S1373del.
Identifiers: ClinVar variation 5037996 (VCV005037996.1).